The following is an entry in ClinVar:

ClinVar aggregate classification (germline): Likely benign (0 of 4 stars; one submission).

Conditions:
NCAPG2-related disorder. Also called: NCAPG2-related condition.

Allele frequency attached by ClinVar (database versions not stated): TOPMed 0.00002; gnomAD 0.00004; gnomAD exomes 0.00010; ExAC 0.00022.
gnomAD v4.1: 146 of 1,592,618 alleles (0.0092%); highest among the groups gnomAD compares: South Asian, 0.15%; 1 homozygote.

Submission:

PreventionGenetics, part of Exact Sciences
Classification: Likely benign for NCAPG2-related condition. Last evaluated: 2023-04-11. Review status: no assertion criteria provided. Collection method: clinical testing. Allele origin: germline.
Comment: This variant is classified as likely benign based on ACMG/AMP sequence variant interpretation guidelines (Richards et al. 2015 PMID: 25741868, with internal and published modifications).

NM_017760.7(NCAPG2):c.307A>G (p.Ile103Val)

Gene: NCAPG2 (non-SMC condensin II complex subunit G2; minus strand). Cytogenetic location: 7q36.3.
Variant type: single nucleotide variant.
Coding change: c.307A>G on transcript NM_017760.7 (MANE Select); coding-DNA position 307, A replaced by G.
Protein change: p.Ile103Val; replaces isoleucine 103 with valine.
Molecular consequence: missense variant. On other transcripts: non-coding transcript variant (1).
Genome position (GRCh38, 1-based): chr7:158,692,917, T>C on the plus strand (A>G on the coding strand, the complement: NCAPG2 is on the minus strand). VCF-style: chr7-158692917-T-C. GRCh37 (hg19) VCF-style: chr7-158485609-T-C.
Other names: c.307A>G, p.Ile103Val (NM_001281932.2, NM_001281933.2); short protein forms I103V.
Identifiers: ClinVar variation 3053913 (VCV003053913.2), dbSNP rs755335968, ClinGen allele CA4593164.
Genomic context (GRCh38, chr7:158,692,917, plus strand): 5'-CACATTCCAGTAGGGCTTCGTAGTTCTCACTTTCATTTATTACAGACACAGAAGCAAGAA[T>C]CACAGATGTAATTGCATAAATTATTTCTATGCTTTTTCTCTATAAATGAAAAATCAAAGC-3'
Protein context (NP_060230.5, residues 93-113): IEIIYAITSV[Ile103Val]LASVSVINES